The following is an entry in ClinVar:

ClinVar aggregate classification (germline): Uncertain significance (1 of 4 stars; one submission).

gnomAD v4.1: 2 of 1,613,922 alleles (0.00012%); highest among the groups gnomAD compares: Non-Finnish European, 0.00017%; no homozygotes.

Submission:

Labcorp Genetics (formerly Invitae), Labcorp
Classification: Uncertain significance. Last evaluated: 2025-09-12. Review status: criteria provided, single submitter. Criteria: Invitae Variant Classification Sherloc (09022015). Collection method: clinical testing. Allele origin: germline.
Comment: This sequence change replaces proline, which is neutral and non-polar, with leucine, which is neutral and non-polar, at codon 1158 of the ATP2B2 protein (p.Pro1158Leu). This variant is not present in population databases (gnomAD no frequency). This variant has not been reported in the literature in individuals affected with ATP2B2-related conditions. Invitae Evidence Modeling of protein sequence and biophysical properties (such as structural, functional, and spatial information, amino acid conservation, physicochemical variation, residue mobility, and thermodynamic stability) indicates that this missense variant is expected to disrupt ATP2B2 protein function with a positive predictive value of 95%. In summary, the available evidence is currently insufficient to determine the role of this variant in disease. Therefore, it has been classified as a Variant of Uncertain Significance.

NM_001001331.4(ATP2B2):c.3608C>T (p.Pro1203Leu)

Gene: ATP2B2 (ATPase plasma membrane Ca2+ transporting 2; minus strand). Cytogenetic location: 3p25.3.
Variant type: single nucleotide variant.
Coding change: c.3608C>T on transcript NM_001001331.4 (MANE Select); coding-DNA position 3608, C replaced by T.
Protein change: p.Pro1203Leu; replaces proline 1203 with leucine.
Molecular consequence: missense variant. On other transcripts: 3 prime UTR variant (2).
Genome position (GRCh38, 1-based): chr3:10,328,938, G>A on the plus strand (C>T on the coding strand, the complement: ATP2B2 is on the minus strand). VCF-style: chr3-10328938-G-A. GRCh37 (hg19) VCF-style: chr3-10370622-G-A.
Other names: c.*235C>T (NM_001330611.3); c.3473C>T, p.Pro1158Leu (NM_001353564.1, NM_001438036.1, NM_001683.5); c.*162C>T (NM_001363862.1); c.3515C>T, p.Pro1172Leu (NM_001438646.1); short protein forms P1158L, P1172L, P1203L.
Identifiers: ClinVar variation 4776605 (VCV004776605.1).
Genomic context (GRCh38, chr3:10,328,938, plus strand): 5'-GTGTCGGTCGTCAGGTTGATCCCACTGTCGATGGCGCTGTTGTTCTTGTTGAGGGATGAC[G>A]GCGGGCTCGAGTTCTGCTTGAGCGCGGCATCTTCTTCCAGGTCGGTGTCATCAATGAGGG-3'
Protein context (NP_001001331.1, residues 1193-1213): DAALKQNSSP[Pro1203Leu]SSLNKNNSAI